The following is an entry in ClinVar:

ClinVar aggregate classification (germline): Likely benign (1 of 4 stars; one submission).

gnomAD v4.1: 122 of 1,605,094 alleles (0.0076%); highest among the groups gnomAD compares: Admixed American, 0.2%; 2 homozygotes.

Submission:

CeGaT Center for Human Genetics Tuebingen
Classification: Likely benign. Last evaluated: 2026-03-01. Review status: criteria provided, single submitter. Criteria: CeGaT Center For Human Genetics Tuebingen Variant Classification Criteria Version 2. Collection method: clinical testing. Allele origin: germline. Affected: yes. Observed: 2 variant alleles.
Comment: SON: BP4, BP7

NM_138927.4(SON):c.6678A>T (p.Ala2226=)

Gene: SON (SON DNA and RNA binding protein; plus strand). Cytogenetic location: 21q22.11.
Variant type: single nucleotide variant.
Coding change: c.6678A>T on transcript NM_138927.4 (MANE Select); coding-DNA position 6678, A replaced by T.
Protein change: p.Ala2226=; no amino-acid change (alanine 2226 retained).
Molecular consequence: synonymous variant. On other transcripts: non-coding transcript variant (1).
Genome position (GRCh38, 1-based): chr21:33,567,177, A>T. VCF-style: chr21-33567177-A-T. GRCh37 (hg19) VCF-style: chr21-34939483-A-T.
Other names: c.762A>T, p.Ala254= (NM_001291412.3).
Identifiers: ClinVar variation 4534095 (VCV004534095.6).